The following is an entry in ClinVar:

NM_014159.7(SETD2):c.1289_1290del (p.Asp429_Ser430insTer)

Gene: SETD2 (SET domain containing 2, histone lysine methyltransferase; minus strand). Cytogenetic location: 3p21.31.
Variant type: Microsatellite.
Coding change: c.1289_1290del on transcript NM_014159.7 (MANE Select); coding-DNA positions 1289 to 1290, 2 bases deleted (CT; older notation c.1289_1290delCT).
Protein change: p.Asp429_Ser430insTer.
Molecular consequence: nonsense. On other transcripts: non-coding transcript variant (1).
Genome position (GRCh38, 1-based): chr3:47,123,346-47,123,347, AG deleted on the plus strand (CT on the coding strand, the reverse complement: SETD2 is on the minus strand); deleting any 2 consecutive bases within chr3:47,123,346-47,123,349 gives the same sequence; the c. name uses the placement nearest the transcript's 3' end. VCF-style (leftmost placement, unchanged base first): chr3-47123345-CAG-C. GRCh37 (hg19) VCF-style: chr3-47164835-CAG-C.
Other names: c.1157_1158del, p.Asp385_Ser386insTer (NM_001349370.3); c.1289_1290delCT (NM_014159.6).
Identifiers: ClinVar variation 624022 (VCV000624022.45), dbSNP rs1575817869, ClinGen allele CA913189475.

ClinVar aggregate classification (germline): Pathogenic/Likely pathogenic. Review status: criteria provided, multiple submitters, no conflicts (2 of 4 stars). 3 submissions from 3 submitters: Pathogenic (2); Likely pathogenic (1). Last evaluated 2024-08-12.

Conditions:
Luscan-Lumish syndrome. Identifiers: Orphanet 597738, MedGen C4085873, MONDO:0014791, OMIM 616831.
Inborn genetic diseases. Identifiers: MedGen C0950123, MeSH D030342.

Submissions (3):

Ambry Genetics
Classification: Pathogenic for Inborn genetic diseases. Last evaluated: 2024-08-12. Review status: criteria provided, single submitter. Criteria: Ambry Variant Classification Scheme 2023. Collection method: clinical testing. Allele origin: germline.
Comment: The c.1289_1290delCT (p.S430*) alteration, located in exon 3 (coding exon 3) of the SETD2 gene, consists of a deletion of 2 nucleotides from position 1289 to 1290. This changes the amino acid from a serine (S) to a stop codon at amino acid position 430. This alteration is expected to result in loss of function by premature protein truncation or nonsense-mediated mRNA decay; however, loss-of-function of SETD2 has not been established as a mechanism of disease for SET2D-related multiple congenital anomalies syndrome. for Luscan-Lumish syndrome; however, its clinical significance for SET2D-related multiple congenital anomalies syndrome is uncertain. This variant was not reported in population-based cohorts in the Genome Aggregation Database (gnomAD). Based on the available evidence, this alteration is classified as pathogenic.

MVZ Martinsried, Medicover Genetics
Classification: Pathogenic for Luscan-Lumish syndrome. Last evaluated: 2022-02-10. Review status: criteria provided, single submitter. Criteria: ACGS Guidelines, 2020. Collection method: clinical testing. Allele origin: inherited. Affected: yes.

CeGaT Center for Human Genetics Tuebingen
Classification: Likely pathogenic. Last evaluated: 2018-05-01. Review status: criteria provided, single submitter. Criteria: CeGaT Center For Human Genetics Tuebingen Variant Classification Criteria Version 2. Collection method: clinical testing. Allele origin: germline. Affected: yes. Observed: 1 variant allele.